The following is an entry in ClinVar:

ClinVar aggregate classification (germline): Uncertain significance. Review status: criteria provided, multiple submitters, no conflicts (2 of 4 stars). 2 submissions from 2 submitters: Uncertain significance (2). Last evaluated 2025-12-17.

Conditions:
Hereditary cancer-predisposing syndrome. Also called: Neoplastic Syndromes, Hereditary; Tumor predisposition; Hereditary neoplastic syndrome; Hereditary Cancer Syndrome. Identifiers: Orphanet 140162, MedGen C0027672, MeSH D009386, MONDO:0015356.
Mitochondrial complex II deficiency, nuclear type 1. Also called: SUCCINATE CoQ REDUCTASE DEFICIENCY. Identifiers: Orphanet 3208, MedGen C5700310, MONDO:0100294, OMIM 252011.
Pheochromocytoma/paraganglioma syndrome 5. Also called: Paragangliomas 5; SDHA-Related Hereditary Paraganglioma-Pheochromocytoma Syndrome. Identifiers: Orphanet 29072, MedGen C3279992, MONDO:0013602, OMIM 614165.

gnomAD v4.1: 1 of 1,613,600 alleles (0.000062%); no homozygotes.

Submissions (2):

Ambry Genetics
Classification: Uncertain significance for Hereditary cancer-predisposing syndrome. Last evaluated: 2025-12-17. Review status: criteria provided, single submitter. Criteria: Ambry Variant Classification Scheme 2023. Collection method: clinical testing. Allele origin: germline.
Comment: The p.L562M variant (also known as c.1684C>A), located in coding exon 13 of the SDHA gene, results from a C to A substitution at nucleotide position 1684. The leucine at codon 562 is replaced by methionine, an amino acid with highly similar properties. This amino acid position is conserved. In addition, the in silico prediction for this alteration is inconclusive. Based on the available evidence, the clinical significance of this variant remains unclear.

Labcorp Genetics (formerly Invitae), Labcorp
Classification: Uncertain significance for Pheochromocytoma/paraganglioma syndrome 5; Mitochondrial complex II deficiency, nuclear type 1. Last evaluated: 2018-07-10. Review status: criteria provided, single submitter. Criteria: Invitae Variant Classification Sherloc (09022015). Collection method: clinical testing. Allele origin: germline.
Comment: In summary, the available evidence is currently insufficient to determine the role of this variant in disease. Therefore, it has been classified as a Variant of Uncertain Significance. Algorithms developed to predict the effect of missense changes on protein structure and function are either unavailable or do not agree on the potential impact of this missense change (SIFT: "Deleterious"; PolyPhen-2: "Probably Damaging"; Align-GVGD: "Class C0"). This variant has not been reported in the literature in individuals with SDHA-related disease. This variant is not present in population databases (ExAC no frequency). This sequence change replaces leucine with methionine at codon 562 of the SDHA protein (p.Leu562Met). The leucine residue is highly conserved and there is a small physicochemical difference between leucine and methionine.

NM_004168.4(SDHA):c.1684C>A (p.Leu562Met)

Gene: SDHA (succinate dehydrogenase complex flavoprotein subunit A; plus strand). Cytogenetic location: 5p15.33.
Variant type: single nucleotide variant.
Coding change: c.1684C>A on transcript NM_004168.4 (MANE Select); coding-DNA position 1684, C replaced by A.
Protein change: p.Leu562Met; replaces leucine 562 with methionine.
Molecular consequence: missense variant. On other transcripts: intron variant (1).
Genome position (GRCh38, 1-based): chr5:251,358, C>A. VCF-style: chr5-251358-C-A. GRCh37 (hg19) VCF-style: chr5-251473-C-A.
Other names: c.1540C>A, p.Leu514Met (NM_001294332.2); c.1552-3035C>A (NM_001330758.2); short protein forms L514M, L562M.
Identifiers: ClinVar variation 641168 (VCV000641168.12), dbSNP rs1561010740, ClinGen allele CA358999928.